The following is an entry in ClinVar:

ClinVar aggregate classification (germline): Uncertain significance. Review status: criteria provided, multiple submitters, no conflicts (2 of 4 stars). 4 submissions from 4 submitters: Uncertain significance (4). Last evaluated 2025-11-18.

Conditions:
Age related macular degeneration 9. Identifiers: MedGen C1969651, MONDO:0012659, OMIM 611378.
Complement component 3 deficiency. Identifiers: Orphanet 280133, MedGen C3151071, MONDO:0013417, OMIM 613779.
Atypical hemolytic-uremic syndrome with C3 anomaly. Also called: AHUS, SUSCEPTIBILITY TO, 5. Identifiers: Orphanet 2134, MedGen C2752037, MONDO:0013043, OMIM 612925.
Premature ovarian insufficiency (POF). Also called: Premature ovarian failure. Identifiers: MedGen C4303540, HP:0008209.
C3 glomerulonephritis. Also called: C3 GLOMERULOPATHY 3; Nephropathy due to CFHR5 Deficiency. Identifiers: Orphanet 329931, MedGen C4055342, MONDO:0013892, OMIM 614809.
Atypical hemolytic-uremic syndrome. Identifiers: Orphanet 2134, MedGen C2931788, MONDO:0016244.

Allele frequency attached by ClinVar (database versions not stated): ExAC 0.00002; TOPMed 0.00001; 1000 Genomes Project 0.00020; gnomAD 0.00001; gnomAD exomes 0.00001 and 0.00002; 1000 Genomes Project 30x 0.00031.
gnomAD v4.1: 20 of 1,612,564 alleles (0.0012%); highest among the groups gnomAD compares: East Asian, 0.011%; no homozygotes.

Submissions (4):

Labcorp Genetics (formerly Invitae), Labcorp
Classification: Uncertain significance. Last evaluated: 2025-11-18. Review status: criteria provided, single submitter. Criteria: Invitae Variant Classification Sherloc (09022015). Collection method: clinical testing. Allele origin: germline.
Comment: This sequence change replaces threonine, which is neutral and polar, with methionine, which is neutral and non-polar, at codon 612 of the C3 protein (p.Thr612Met). This variant is present in population databases (rs201572752, gnomAD 0.006%). This missense change has been observed in individual(s) with clinical features of C3-related conditions (PMID: 31042289). ClinVar contains an entry for this variant (Variation ID: 812131). Invitae Evidence Modeling of protein sequence and biophysical properties (such as structural, functional, and spatial information, amino acid conservation, physicochemical variation, residue mobility, and thermodynamic stability) indicates that this missense variant is expected to disrupt C3 protein function with a positive predictive value of 80%. In summary, the available evidence is currently insufficient to determine the role of this variant in disease. Therefore, it has been classified as a Variant of Uncertain Significance.

Genomenon, Inc
Classification: Uncertain significance for Complement component 3 deficiency; C3 glomerulonephritis; Atypical hemolytic-uremic syndrome. Last evaluated: 2025-09-30. Review status: criteria provided, single submitter. Criteria: Genomenon Sequence Variant Interpretation Standards. Collection method: curation. Allele origin: germline. Affected: no.
Comment: C3 p.Thr612Met (c.1835C>T) is a missense variant that changes the amino acid at residue 612 from Threonine to Methionine. This variant has been reported in the published literature (PMID:31042289). It is absent or not present at a significant frequency in gnomAD. In conclusion, we classify C3 p.Thr612Met (c.1835C>T) as a variant of unknown significance.

Fulgent Genetics
Classification: Uncertain significance for Age related macular degeneration 9; Atypical hemolytic-uremic syndrome with C3 anomaly; Complement component 3 deficiency. Last evaluated: 2022-02-09. Review status: criteria provided, single submitter. Criteria: ACMG Guidelines, 2015. Collection method: clinical testing. Allele origin: unknown.

Lupski Lab, Baylor-Hopkins CMG, Baylor College of Medicine
Classification: Uncertain significance for Primary Ovarian Insufficiency. Last evaluated: 2019-04-22. Review status: criteria provided, single submitter. Criteria: Jolly et al. (J Clin Endocrinol Metab. 2019). Collection method: research. Allele origin: inherited, unknown. Inheritance: Autosomal recessive inheritance. Affected: yes and no. Observed: 3 variant alleles, 2 heterozygotes, 1 homozygote. Clinical features observed: Hypergonadotropic hypogonadism (HP:0000815).

Literature cited by the submitters: PubMed 31042289 (cited by Labcorp Genetics (formerly Invitae), Labcorp and Genomenon, Inc).

NM_000064.4(C3):c.1835C>T (p.Thr612Met)

Gene: C3 (complement C3; minus strand). Cytogenetic location: 19p13.3.
Variant type: single nucleotide variant.
Coding change: c.1835C>T on transcript NM_000064.4 (MANE Select); coding-DNA position 1835, C replaced by T.
Protein change: p.Thr612Met; replaces threonine 612 with methionine.
Molecular consequence: missense variant.
Genome position (GRCh38, 1-based): chr19:6,709,694, G>A on the plus strand (C>T on the coding strand, the complement: C3 is on the minus strand). VCF-style: chr19-6709694-G-A. GRCh37 (hg19) VCF-style: chr19-6709705-G-A.
Other names: short protein forms T612M.
Identifiers: ClinVar variation 812131 (VCV000812131.8), dbSNP rs201572752, ClinGen allele CA9129325.